The following is an entry in ClinVar:

NM_005228.5(EGFR):c.122T>C (p.Leu41Ser)

Gene: EGFR (epidermal growth factor receptor; plus strand). Cytogenetic location: 7p11.2.
Variant type: single nucleotide variant.
Coding change: c.122T>C on transcript NM_005228.5 (MANE Select); coding-DNA position 122, T replaced by C.
Protein change: p.Leu41Ser; replaces leucine 41 with serine.
Molecular consequence: missense variant. On other transcripts: 5 prime UTR variant (1), intron variant (1).
Genome position (GRCh38, 1-based): chr7:55,142,319, T>C. VCF-style: chr7-55142319-T-C. GRCh37 (hg19) VCF-style: chr7-55210012-T-C.
Other names: c.122T>C, p.Leu41Ser (NM_001346897.2, NM_001346898.2, NM_001346899.2 and 3 more transcripts); c.-38T>C (NM_001346900.2); c.89-13511T>C (NM_001346941.2); short protein forms L41S.
Identifiers: ClinVar variation 2821063 (VCV002821063.3), dbSNP rs2535439441, ClinGen allele CA367574266.

ClinVar aggregate classification (germline): Uncertain significance (1 of 4 stars; one submission).

Conditions:
EGFR-related lung cancer (EGFR). Identifiers: MedGen CN130014.

Submission:

Labcorp Genetics (formerly Invitae), Labcorp
Classification: Uncertain significance for EGFR-related lung cancer. Last evaluated: 2022-12-15. Review status: criteria provided, single submitter. Criteria: Invitae Variant Classification Sherloc (09022015). Collection method: clinical testing. Allele origin: germline.
Comment: In summary, the available evidence is currently insufficient to determine the role of this variant in disease. Therefore, it has been classified as a Variant of Uncertain Significance. Advanced modeling of protein sequence and biophysical properties (such as structural, functional, and spatial information, amino acid conservation, physicochemical variation, residue mobility, and thermodynamic stability) performed at Invitae indicates that this missense variant is not expected to disrupt EGFR protein function. This variant has not been reported in the literature in individuals affected with EGFR-related conditions. This variant is not present in population databases (gnomAD no frequency). This sequence change replaces leucine, which is neutral and non-polar, with serine, which is neutral and polar, at codon 41 of the EGFR protein (p.Leu41Ser).